The following is an entry in ClinVar:

NM_006208.3(ENPP1):c.*1236G>T

Gene: ENPP1 (ectonucleotide pyrophosphatase/phosphodiesterase 1; plus strand). Cytogenetic location: 6q23.2.
Variant type: single nucleotide variant.
Coding change: c.*1236G>T on transcript NM_006208.3 (MANE Select); 1236 bases downstream of the stop codon, G replaced by T.
Molecular consequence: 3 prime UTR variant.
Genome position (GRCh38, 1-based): chr6:131,891,747, G>T. VCF-style: chr6-131891747-G-T. GRCh37 (hg19) VCF-style: chr6-132212887-G-T.
Identifiers: ClinVar variation 355384 (VCV000355384.5), dbSNP rs11154649, ClinGen allele CA10625780.

ClinVar aggregate classification (germline): Benign. Review status: criteria provided, single submitter (1 of 4 stars). 2 submissions from 1 submitter: Benign (2). Last evaluated 2018-01-12.

Conditions:
Arterial calcification, generalized, of infancy, 1 (GACI1). Also called: Idiopathic Infantile Arterial Calcification. Identifiers: Orphanet 51608, MedGen C4551985, MONDO:0008817, OMIM 208000.
Hypophosphatemic rickets, autosomal recessive, 2 (ARHR2). Identifiers: Orphanet 289176, MedGen C2750078, MONDO:0013219, OMIM 613312.

Allele frequency attached by ClinVar (database versions not stated): 1000 Genomes Project 0.15815; gnomAD 0.00176.

Submissions (2):

Illumina Laboratory Services, Illumina
Classification: Benign for Arterial calcification, generalized, of infancy, 1. Last evaluated: 2018-01-12. Review status: criteria provided, single submitter. Criteria: ICSL Variant Classification Criteria 13 December 2019. Collection method: clinical testing. Allele origin: germline.
Comment: This variant was observed in the ICSL laboratory as part of a predisposition screen in an ostensibly healthy population. It had not been previously curated by ICSL or reported in the Human Gene Mutation Database (HGMD: prior to June 1st, 2018), and was therefore a candidate for classification through an automated scoring system. Utilizing variant allele frequency, disease prevalence and penetrance estimates, and inheritance mode, an automated score was calculated to assess if this variant is too frequent to cause the disease. Based on the score and internal cut-off values, a variant classified as benign is not then subjected to further curation. The score for this variant resulted in a classification of benign for this disease.

Illumina Laboratory Services, Illumina
Classification: Benign for Hypophosphatemic rickets, autosomal recessive, 2. Last evaluated: 2018-01-12. Review status: criteria provided, single submitter. Criteria: ICSL Variant Classification Criteria 13 December 2019. Collection method: clinical testing. Allele origin: germline.
Comment: the same text as in the submission from Illumina Laboratory Services, Illumina above.